The following is an entry in ClinVar:

NM_001040142.2(SCN2A):c.2926A>T (p.Asn976Tyr)

Gene: SCN2A (sodium voltage-gated channel alpha subunit 2; plus strand). Cytogenetic location: 2q24.3.
Variant type: single nucleotide variant.
Coding change: c.2926A>T on transcript NM_001040142.2 (MANE Select); coding-DNA position 2926, A replaced by T.
Protein change: p.Asn976Tyr; replaces asparagine 976 with tyrosine.
Molecular consequence: missense variant.
Genome position (GRCh38, 1-based): chr2:165,354,198, A>T. VCF-style: chr2-165354198-A-T. GRCh37 (hg19) VCF-style: chr2-166210708-A-T.
Other names: c.2926A>T, p.Asn976Tyr (NM_001040143.2, NM_001371246.1, NM_001371247.1 and 1 more transcripts); short protein forms N976Y.
Identifiers: ClinVar variation 4789342 (VCV004789342.1).
Genomic context (GRCh38, chr2:165,354,198, plus strand): 5'-AGCAATTGAAGCAATAGAATGTTTTGATCACCTGTTTTTCCTGCTGTGTTTCAGGTTCTG[A>T]ACCTCTTCTTGGCCTTGCTTTTGAGTTCCTTCAGTTCTGACAATCTTGCTGCCACTGATG-3'
Protein context (NP_001035232.1, residues 966-986): VMVIGNLVVL[Asn976Tyr]LFLALLLSSF

ClinVar aggregate classification (germline): Likely pathogenic (1 of 4 stars; one submission).

Conditions:
Developmental and epileptic encephalopathy, 11 (DEE11). Also called: Early infantile epileptic encephalopathy 11. Identifiers: Orphanet 1934, MedGen C3150987, MONDO:0013388, OMIM 613721.
Seizures, benign familial infantile, 3 (BFIS3). Also called: CONVULSIONS, BENIGN FAMILIAL INFANTILE, 3; Familial neonatal seizures. Identifiers: Orphanet 140927, Orphanet 306, MedGen C1843140, MONDO:0011904, OMIM 607745.

Submission:

Labcorp Genetics (formerly Invitae), Labcorp
Classification: Likely pathogenic for Seizures, benign familial infantile, 3; Developmental and epileptic encephalopathy, 11. Last evaluated: 2025-09-24. Review status: criteria provided, single submitter. Criteria: Invitae Variant Classification Sherloc (09022015). Collection method: clinical testing. Allele origin: germline.
Comment: This sequence change replaces asparagine, which is neutral and polar, with tyrosine, which is neutral and polar, at codon 976 of the SCN2A protein (p.Asn976Tyr). This variant is not present in population databases (gnomAD no frequency). This variant has not been reported in the literature in individuals affected with SCN2A-related conditions. Invitae Evidence Modeling of protein sequence and biophysical properties (such as structural, functional, and spatial information, amino acid conservation, physicochemical variation, residue mobility, and thermodynamic stability) indicates that this missense variant is expected to disrupt SCN2A protein function with a positive predictive value of 95%. This variant disrupts the p.Asn976 amino acid residue in SCN2A. Other variant(s) that disrupt this residue have been determined to be pathogenic (PMID: 26291284). This suggests that this residue is clinically significant, and that variants that disrupt this residue are likely to be disease-causing. In summary, the currently available evidence indicates that the variant is pathogenic, but additional data are needed to prove that conclusively. Therefore, this variant has been classified as Likely Pathogenic.

Literature cited by the submitters: PubMed 26291284.